The following is an entry in ClinVar:

ClinVar aggregate classification (germline): Uncertain significance (1 of 4 stars; one submission).

Allele frequency attached by ClinVar (database versions not stated): gnomAD exomes below 0.00001.
gnomAD v4.1: 2 of 1,614,096 alleles (0.00012%); highest among the groups gnomAD compares: Non-Finnish European, 0.00017%; no homozygotes.

Submission:

Labcorp Genetics (formerly Invitae), Labcorp
Classification: Uncertain significance. Last evaluated: 2021-10-06. Review status: criteria provided, single submitter. Criteria: Invitae Variant Classification Sherloc (09022015). Collection method: clinical testing. Allele origin: germline.
Comment: This sequence change replaces lysine with arginine at codon 110 of the POLE protein (p.Lys110Arg). The lysine residue is moderately conserved and there is a small physicochemical difference between lysine and arginine. This variant is not present in population databases (ExAC no frequency). This variant has not been reported in the literature in individuals affected with POLE-related conditions. Algorithms developed to predict the effect of missense changes on protein structure and function (SIFT, PolyPhen-2, Align-GVGD) all suggest that this variant is likely to be tolerated. In summary, the available evidence is currently insufficient to determine the role of this variant in disease. Therefore, it has been classified as a Variant of Uncertain Significance.

NM_006231.4(POLE):c.329A>G (p.Lys110Arg)

Gene: POLE (DNA polymerase epsilon, catalytic subunit; minus strand). Cytogenetic location: 12q24.33.
Variant type: single nucleotide variant.
Coding change: c.329A>G on transcript NM_006231.4 (MANE Select); coding-DNA position 329, A replaced by G.
Protein change: p.Lys110Arg; replaces lysine 110 with arginine.
Molecular consequence: missense variant.
Genome position (GRCh38, 1-based): chr12:132,680,179, T>C on the plus strand (A>G on the coding strand, the complement: POLE is on the minus strand). VCF-style: chr12-132680179-T-C. GRCh37 (hg19) VCF-style: chr12-133256765-T-C.
Other names: short protein forms K110R.
Identifiers: ClinVar variation 1384935 (VCV001384935.6), dbSNP rs2136029546, ClinGen allele CA387368535.
Genomic context (GRCh38, chr12:132,680,179, plus strand): 5'-AAAGCCCACCACAGAATGACACACAGGTCGTCTGACCTGAGTCTATGAAACACACTCACC[T>C]TTCTGGTCGCAATGTAGAAATACGGTTTATAGGGCAAAGCCACCTGTTAAGAGTCACCAA-3'
Protein context (NP_006222.2, residues 100-120): YKPYFYIATR[Lys110Arg]GCEREVSSFL